The following is an entry in ClinVar:

ClinVar aggregate classification (germline): Uncertain significance (1 of 4 stars; one submission).

Conditions:
Immunodeficiency, common variable, 10. Also called: IMMUNODEFICIENCY, COMMON VARIABLE, WITH CENTRAL ADRENAL INSUFFICIENCY; DEFICIT IN ANTERIOR PITUITARY FUNCTION AND VARIABLE IMMUNODEFICIENCY. Identifiers: MedGen C3809991, MONDO:0014260, OMIM 615577.

Submission:

Labcorp Genetics (formerly Invitae), Labcorp
Classification: Uncertain significance for Immunodeficiency, common variable, 10. Last evaluated: 2024-07-25. Review status: criteria provided, single submitter. Criteria: Invitae Variant Classification Sherloc (09022015). Collection method: clinical testing. Allele origin: germline.
Comment: This sequence change replaces glycine, which is neutral and non-polar, with alanine, which is neutral and non-polar, at codon 400 of the NFKB2 protein (p.Gly400Ala). This variant is not present in population databases (gnomAD no frequency). This variant has not been reported in the literature in individuals affected with NFKB2-related conditions. An algorithm developed to predict the effect of missense changes on protein structure and function (PolyPhen-2) suggests that this variant is likely to be tolerated. In summary, the available evidence is currently insufficient to determine the role of this variant in disease. Therefore, it has been classified as a Variant of Uncertain Significance.

NM_001322934.2(NFKB2):c.1199G>C (p.Gly400Ala)

Genes: NFKB2 (nuclear factor kappa B subunit 2; plus strand), LOC130004599 (ATAC-STARR-seq lymphoblastoid silent region 2756; plus strand). Cytogenetic location: 10q24.32.
Variant type: single nucleotide variant.
Coding change: c.1199G>C on transcript NM_001322934.2 (MANE Select); coding-DNA position 1199, G replaced by C.
Protein change: p.Gly400Ala; replaces glycine 400 with alanine.
Molecular consequence: missense variant.
Genome position (GRCh38, 1-based): chr10:102,399,369, G>C. VCF-style: chr10-102399369-G-C. GRCh37 (hg19) VCF-style: chr10-104159126-G-C.
Other names: c.1199G>C, p.Gly400Ala (NM_001077494.3, NM_001261403.3, NM_001288724.1 and 1 more transcripts); c.1073G>C, p.Gly358Ala (NM_001322935.1); short protein forms G358A, G400A.
Identifiers: ClinVar variation 3716527 (VCV003716527.2).